The following is an entry in ClinVar:

NM_001130021.3(ATP6V0A1):c.1694C>T (p.Pro565Leu)

Gene: ATP6V0A1 (ATPase H+ transporting V0 subunit a1; plus strand). Cytogenetic location: 17q21.2.
Variant type: single nucleotide variant.
Coding change: c.1694C>T on transcript NM_001130021.3 (MANE Select); coding-DNA position 1694, C replaced by T.
Protein change: p.Pro565Leu; replaces proline 565 with leucine.
Molecular consequence: missense variant.
Genome position (GRCh38, 1-based): chr17:42,500,721, C>T. VCF-style: chr17-42500721-C-T. GRCh37 (hg19) VCF-style: chr17-40652739-C-T.
Other names: c.1481C>T, p.Pro494Leu (NM_001378547.1, NM_001378546.1); c.1448C>T, p.Pro483Leu (NM_001378548.1); c.1514C>T, p.Pro505Leu (NM_001378549.1); c.1586C>T, p.Pro529Leu (NM_001378550.1, NM_001378556.1, NM_001378536.1); c.1817C>T, p.Pro606Leu (NM_001378551.1, NM_001378552.1, NM_001378530.1 and 1 more transcripts); c.1484C>T, p.Pro495Leu (NM_001378554.1, NM_001378545.1); c.1694C>T, p.Pro565Leu (NM_001378557.1, NM_005177.5, NM_001378535.1 and 3 more transcripts); c.1715C>T, p.Pro572Leu (NM_001130020.3, NM_001378522.1, NM_001378523.1 and 3 more transcripts); and 3 more; short protein forms P483L, P494L, P495L, P505L, P512L, P522L, P529L, P565L.
Identifiers: ClinVar variation 5040000 (VCV005040000.1).
Genomic context (GRCh38, chr17:42,500,721, plus strand): 5'-CCCTAGGCCCATTTACCCTTAACATTTTTTTCTCTCTCCTTTTTAGCTATTTCAAGAAGC[C>T]CCTGAATATCTACTTTGGATTTATTCCTGAAATAATCTTCATGACCTCTTTGTTTGGCTA-3'
Protein context (NP_001123493.1, residues 555-575): SLFNHIYFKK[Pro565Leu]LNIYFGFIPE

ClinVar aggregate classification (germline): Uncertain significance (1 of 4 stars; one submission).

gnomAD v4.1: 1 of 1,613,078 alleles (0.000062%); no homozygotes.

Submission:

CeGaT Center for Human Genetics Tuebingen
Classification: Uncertain significance. Last evaluated: 2026-07-01. Review status: criteria provided, single submitter. Criteria: CeGaT Center For Human Genetics Tuebingen Variant Classification Criteria Version 2. Collection method: clinical testing. Allele origin: germline. Affected: yes. Observed: 1 variant allele.
Comment: ATP6V0A1: PM2